The following is an entry in ClinVar:

NM_005045.4(RELN):c.6078C>T (p.Asn2026=)

Gene: RELN (reelin; minus strand). Cytogenetic location: 7q22.1.
Variant type: single nucleotide variant.
Coding change: c.6078C>T on transcript NM_005045.4 (MANE Select); coding-DNA position 6078, C replaced by T.
Protein change: p.Asn2026=; no amino-acid change (asparagine 2026 retained).
Molecular consequence: synonymous variant.
Genome position (GRCh38, 1-based): chr7:103,551,291, G>A on the plus strand (C>T on the coding strand, the complement: RELN is on the minus strand). VCF-style: chr7-103551291-G-A. GRCh37 (hg19) VCF-style: chr7-103191738-G-A.
Other names: c.6078C>T, p.Asn2026= (NM_173054.3).
Identifiers: ClinVar variation 212043 (VCV000212043.27), dbSNP rs79610081, ClinGen allele CA209748.

ClinVar aggregate classification (germline): Benign. Review status: criteria provided, multiple submitters, no conflicts (2 of 4 stars). 9 submissions from 9 submitters: Benign (7). 2 of the submissions do not count toward it. Last evaluated 2026-01-28.

Conditions:
Norman-Roberts syndrome (LIS2). Also called: Lissencephaly 2 (Norman-Roberts type). Identifiers: Orphanet 89844, MedGen C0796089, MONDO:0009760, OMIM 257320.
Familial temporal lobe epilepsy 7. Identifiers: Orphanet 101046, MedGen C4225327, MONDO:0014639, OMIM 616436.

Allele frequency attached by ClinVar (database versions not stated): gnomAD exomes 0.00056 and 0.00166; ExAC 0.00243; ESP Exome Variant Server 0.00600; gnomAD 0.00635 and 0.00676; 1000 Genomes Project 30x 0.00718; TOPMed 0.00750; 1000 Genomes Project 0.00779.
gnomAD v4.1: 1,810 of 1,611,926 alleles (0.11%); highest among the groups gnomAD compares: African/African-American, 2.1%; 19 homozygotes.

Submissions (9):

Labcorp Genetics (formerly Invitae), Labcorp
Classification: Benign for Familial temporal lobe epilepsy 7; Norman-Roberts syndrome. Last evaluated: 2026-01-28. Review status: criteria provided, single submitter. Criteria: Invitae Variant Classification Sherloc (09022015). Collection method: clinical testing. Allele origin: germline.

ARUP Laboratories, Molecular Genetics and Genomics, ARUP Laboratories
Classification: Benign. Last evaluated: 2024-06-28. Review status: criteria provided, single submitter. Criteria: ARUP Molecular Germline Variant Investigation Process 2024. Collection method: clinical testing. Allele origin: germline.

GeneDx
Classification: Benign. Last evaluated: 2018-06-04. Review status: criteria provided, single submitter. Criteria: GeneDx Variant Classification Process June 2021. Collection method: clinical testing. Allele origin: germline. Affected: yes.

Athena Diagnostics
Classification: Benign. Last evaluated: 2018-05-01. Review status: criteria provided, single submitter. Criteria: Athena Diagnostics Criteria. Collection method: clinical testing. Allele origin: germline.

Illumina Laboratory Services, Illumina
Classification: Benign for Norman-Roberts syndrome. Last evaluated: 2018-01-13. Review status: criteria provided, single submitter. Criteria: ICSL Variant Classification Criteria 13 December 2019. Collection method: clinical testing. Allele origin: germline.
Comment: This variant was observed in the ICSL laboratory as part of a predisposition screen in an ostensibly healthy population. It had not been previously curated by ICSL or reported in the Human Gene Mutation Database (HGMD: prior to June 1st, 2018), and was therefore a candidate for classification through an automated scoring system. Utilizing variant allele frequency, disease prevalence and penetrance estimates, and inheritance mode, an automated score was calculated to assess if this variant is too frequent to cause the disease. Based on the score and internal cut-off values, a variant classified as benign is not then subjected to further curation. The score for this variant resulted in a classification of benign for this disease.

Genetic Services Laboratory, University of Chicago
Classification: Benign. Last evaluated: 2016-09-13. Review status: criteria provided, single submitter. Criteria: ACMG Guidelines, 2015. Collection method: clinical testing. Allele origin: germline. Affected: no.

Breakthrough Genomics
Classification: Benign. Review status: criteria provided, single submitter. Criteria: ACMG Guidelines, 2015. Collection method: not provided. Allele origin: germline. Inheritance: Autosomal recessive inheritance. Affected: yes.

Clinical Genetics, Academic Medical Center
Classification: Benign. Review status: no assertion criteria provided. Collection method: clinical testing. Allele origin: germline. Affected: yes. Study: VKGL Data-share Consensus. Not counted in ClinVar's aggregate classification.

Diagnostic Laboratory, Department of Genetics, University Medical Center Groningen
Classification: Likely benign for Norman-Roberts syndrome. Review status: no assertion criteria provided. Collection method: clinical testing. Allele origin: germline. Affected: yes. Study: VKGL Data-share Consensus. Not counted in ClinVar's aggregate classification.